The following is an entry in ClinVar:

ClinVar aggregate classification (germline): Uncertain significance (1 of 4 stars; one submission).

Conditions:
Monocytopenia with susceptibility to infections. Also called: MONOCYTOPENIA AND MYCOBACTERIAL INFECTION SYNDROME; MONOCYTOPENIA WITH SUSCEPTIBILITY TO MYCOBACTERIAL, FUNGAL, AND PAPILLOMAVIRUS INFECTIONS AND MYELODYSPLASIA; COMBINED IMMUNODEFICIENCY WITH SUSCEPTIBILITY TO MYCOBACTERIAL, VIRAL, AND FUNGAL INFECTIONS; Dendritic cell, monocyte, B lymphocyte, and natural killer lymphocyte deficiency; IMMUNODEFICIENCY 21; GATA2 DEFICIENCY. Identifiers: Orphanet 228423, MedGen C3280030, MONDO:0013607, OMIM 614172.
Deafness-lymphedema-leukemia syndrome. Also called: Lymphedema, primary, with myelodysplasia; Emberger syndrome. Identifiers: Orphanet 3226, MedGen C3279664, MONDO:0013540, OMIM 614038.

Submission:

Labcorp Genetics (formerly Invitae), Labcorp
Classification: Uncertain significance for Monocytopenia with susceptibility to infections; Deafness-lymphedema-leukemia syndrome. Last evaluated: 2023-09-13. Review status: criteria provided, single submitter. Criteria: Invitae Variant Classification Sherloc (09022015). Collection method: clinical testing. Allele origin: germline.
Comment: This sequence change replaces alanine, which is neutral and non-polar, with valine, which is neutral and non-polar, at codon 108 of the GATA2 protein (p.Ala108Val). In summary, the available evidence is currently insufficient to determine the role of this variant in disease. Therefore, it has been classified as a Variant of Uncertain Significance. This variant is not present in population databases (gnomAD no frequency). This variant has not been reported in the literature in individuals affected with GATA2-related conditions. Advanced modeling of protein sequence and biophysical properties (such as structural, functional, and spatial information, amino acid conservation, physicochemical variation, residue mobility, and thermodynamic stability) performed at Invitae indicates that this missense variant is not expected to disrupt GATA2 protein function.

NM_032638.5(GATA2):c.323C>T (p.Ala108Val)

Gene: GATA2 (GATA binding protein 2; minus strand). Cytogenetic location: 3q21.3.
Variant type: single nucleotide variant.
Coding change: c.323C>T on transcript NM_032638.5 (MANE Select); coding-DNA position 323, C replaced by T.
Protein change: p.Ala108Val; replaces alanine 108 with valine.
Molecular consequence: missense variant.
Genome position (GRCh38, 1-based): chr3:128,486,275, G>A on the plus strand (C>T on the coding strand, the complement: GATA2 is on the minus strand). VCF-style: chr3-128486275-G-A. GRCh37 (hg19) VCF-style: chr3-128205118-G-A.
Other names: c.323C>T, p.Ala108Val (NM_001145661.2, NM_001145662.1); short protein forms A108V.
Identifiers: ClinVar variation 2951904 (VCV002951904.3), dbSNP rs2472931941, ClinGen allele CA354407345.